The following is an entry in ClinVar:

ClinVar aggregate classification (germline): Pathogenic (1 of 4 stars; one submission).

Conditions:
Neurofibromatosis, type 1 (NF1). Also called: Peripheral type neurofibromatosis; Neurofibromatosis, type I; VON RECKLINGHAUSEN DISEASE; NEUROFIBROMATOSIS, TYPE I, SOMATIC. Identifiers: Orphanet 636, MedGen C0027831, MONDO:0018975, OMIM 162200. Disease mechanism: loss of function.

Submission:

Labcorp Genetics (formerly Invitae), Labcorp
Classification: Pathogenic for Neurofibromatosis, type 1. Last evaluated: 2021-05-07. Review status: criteria provided, single submitter. Criteria: Invitae Variant Classification Sherloc (09022015). Collection method: clinical testing. Allele origin: germline.
Comment: This sequence change affects a donor splice site in intron 34 of the NF1 gene. It is expected to disrupt RNA splicing. Variants that disrupt the donor or acceptor splice site typically lead to a loss of protein function (PMID: 16199547), and loss-of-function variants in NF1 are known to be pathogenic (PMID: 10712197, 23913538). This variant is not present in population databases (ExAC no frequency). Disruption of this splice site has been observed in individual(s) with neurofibromatosis type 1 (PMID: 19449407, Invitae). Algorithms developed to predict the effect of sequence changes on RNA splicing suggest that this variant may disrupt the consensus splice site, but this prediction has not been confirmed by published transcriptional studies. For these reasons, this variant has been classified as Pathogenic.

Literature cited by the submitters: PubMed 16199547; PubMed 10712197; PubMed 23913538; PubMed 19449407.

NM_001042492.3(NF1):c.4724+1G>T

Gene: NF1 (neurofibromin 1; plus strand). Cytogenetic location: 17q11.2.
Variant type: single nucleotide variant.
Coding change: c.4724+1G>T on transcript NM_001042492.3 (MANE Select); the canonical splice donor site of the intron after coding-DNA position 4724, G replaced by T.
Molecular consequence: splice donor variant.
Genome position (GRCh38, 1-based): chr17:31,261,858, G>T. VCF-style: chr17-31261858-G-T. GRCh37 (hg19) VCF-style: chr17-29588876-G-T.
Other names: c.4661+1G>T (NM_000267.4).
Identifiers: ClinVar variation 1413235 (VCV001413235.8), dbSNP rs1555619056, ClinGen allele CA399000691.